The following is an entry in ClinVar:

NM_000512.5(GALNS):c.1177_1178insT (p.Ala393fs)

Gene: GALNS (galactosamine (N-acetyl)-6-sulfatase; minus strand). Cytogenetic location: 16q24.3.
Variant type: Insertion.
Coding change: c.1177_1178insT on transcript NM_000512.5 (MANE Select); coding-DNA positions 1177 to 1178, T inserted.
Protein change: p.Ala393fs; shifts the reading frame from alanine 393.
Molecular consequence: frameshift variant.
Genome position: GRCh38 VCF-style: chr16-88824831-G-GA. GRCh37 (hg19) VCF-style: chr16-88891239-G-GA.
Other names: c.622_623insT, p.Ala208fs (NM_001323543.2); c.1195_1196insT, p.Ala399fs (NM_001323544.2); short protein forms A208fs, A393fs, A399fs.
Identifiers: ClinVar variation 1048322 (VCV001048322.3), dbSNP rs2142993846, ClinGen allele CA916079747.

ClinVar aggregate classification (germline): Pathogenic (1 of 4 stars; one submission).

Conditions:
Mucopolysaccharidosis, MPS-IV-A (MPS4A). Also called: Mucopolysaccharidosis type IV A; Mucopolysaccharidosis Type IVA; Morquio syndrome A, mild; MORQUIO SYNDROME A; MPS IVA; mucopolysaccharidosis type 4A. Identifiers: Orphanet 309297, Orphanet 582, MedGen C0086651, MONDO:0009659, OMIM 253000.

Submission:

Laboratory of Diagnosis and Therapy of Lysosomal Disorders, University of Padova
Classification: Pathogenic for Mucopolysaccharidosis, MPS-IV-A. Last evaluated: 2021-02-01. Review status: criteria provided, single submitter. Criteria: ACMG Guidelines, 2015. Collection method: curation. Allele origin: germline. Affected: yes.
Comment: Frameshift variant (PVS1_very strong); in vivo functional studies supportive of a damaging effect on the gene product (low to null enzymatic activity in homozygotes; PS3_supporting); absent from gnomAD v2.1.1 (PM2_moderate)

Literature cited by the submitters: PubMed 12442278; PubMed 34387910.